The following is an entry in ClinVar:

NM_004517.4(ILK):c.234A>G (p.Gly78=)

Genes: ILK (integrin linked kinase; plus strand), TAF10 (TATA-box binding protein associated factor 10; minus strand). Cytogenetic location: 11p15.4.
Variant type: single nucleotide variant.
Coding change: c.234A>G on transcript NM_004517.4 (MANE Select); coding-DNA position 234, A replaced by G.
Protein change: p.Gly78=; no amino-acid change (glycine 78 retained).
Molecular consequence: synonymous variant. On other transcripts: 3 prime UTR variant (1), intron variant (1).
Genome position (GRCh38, 1-based): chr11:6,608,190, A>G. VCF-style: chr11-6608190-A-G. GRCh37 (hg19) VCF-style: chr11-6629420-A-G.
Other names: c.234A>G, p.Gly78= (NM_001014794.3, NM_001014795.3, NM_001278441.2); c.*2732T>C (NM_006284.4); c.-147-204A>G (NM_001278442.2).
Identifiers: ClinVar variation 668148 (VCV000668148.11), dbSNP rs376885008, ClinGen allele CA5857978.

ClinVar aggregate classification (germline): Likely benign. Review status: criteria provided, multiple submitters, no conflicts (2 of 4 stars). 3 submissions from 3 submitters: Likely benign (3). Last evaluated 2024-09-22.

Conditions:
Primary familial hypertrophic cardiomyopathy (HCM). Identifiers: Orphanet 99739, MedGen C0949658, MeSH D024741, MONDO:0024573. Inheritance: Various modes of inheritance.

Allele frequency attached by ClinVar (database versions not stated): gnomAD 0.00001; gnomAD exomes 0.00001 and 0.00002; ExAC 0.00002; TOPMed 0.00002; ESP Exome Variant Server 0.00008.
gnomAD v4.1: 19 of 1,614,044 alleles (0.0012%); highest among the groups gnomAD compares: Non-Finnish European, 0.0015%; no homozygotes.

Submissions (3):

Ambry Genetics
Classification: Likely benign. Last evaluated: 2024-09-22. Review status: criteria provided, single submitter. Criteria: Ambry Variant Classification Scheme 2023. Collection method: clinical testing. Allele origin: germline.

Labcorp Genetics (formerly Invitae), Labcorp
Classification: Likely benign for Primary familial hypertrophic cardiomyopathy. Last evaluated: 2022-07-05. Review status: criteria provided, single submitter. Criteria: Invitae Variant Classification Sherloc (09022015). Collection method: clinical testing. Allele origin: germline.

GeneDx
Classification: Likely benign. Last evaluated: 2018-05-07. Review status: criteria provided, single submitter. Criteria: GeneDx Variant Classification (06012015). Collection method: clinical testing. Allele origin: germline. Affected: yes.
Comment: This variant is considered likely benign or benign based on one or more of the following criteria: it is a conservative change, it occurs at a poorly conserved position in the protein, it is predicted to be benign by multiple in silico algorithms, and/or has population frequency not consistent with disease.